The following is an entry in ClinVar:

NM_004360.5(CDH1):c.1640A>T (p.Glu547Val)

Gene: CDH1 (cadherin 1; plus strand). Cytogenetic location: 16q22.1.
Variant type: single nucleotide variant.
Coding change: c.1640A>T on transcript NM_004360.5 (MANE Select); coding-DNA position 1640, A replaced by T.
Protein change: p.Glu547Val; replaces glutamic acid 547 with valine.
Molecular consequence: missense variant. On other transcripts: intron variant (1).
Genome position (GRCh38, 1-based): chr16:68,819,354, A>T. VCF-style: chr16-68819354-A-T. GRCh37 (hg19) VCF-style: chr16-68853257-A-T.
Other names: c.1457A>T, p.Glu486Val (NM_001317184.2); c.92A>T, p.Glu31Val (NM_001317185.2); c.-254-2647A>T (NM_001317186.2); short protein forms E31V, E486V, E547V.
Identifiers: ClinVar variation 2875127 (VCV002875127.4), dbSNP rs2152136879, ClinGen allele CA396465176.

ClinVar aggregate classification (germline): Uncertain significance. Review status: criteria provided, multiple submitters, no conflicts (2 of 4 stars). 2 submissions from 2 submitters: Uncertain significance (2). Last evaluated 2026-07-06.

Conditions:
Hereditary cancer-predisposing syndrome. Also called: Hereditary Cancer Syndrome; Hereditary neoplastic syndrome; Neoplastic Syndromes, Hereditary; Tumor predisposition. Identifiers: Orphanet 140162, MedGen C0027672, MeSH D009386, MONDO:0015356.
Hereditary diffuse gastric adenocarcinoma (HDGC). Also called: DIFFUSE GASTRIC AND LOBULAR BREAST CANCER SYNDROME. Identifiers: Orphanet 26106, MedGen C1708349, MONDO:0007648, OMIM 137215.

gnomAD v4.1: 1 of 1,614,092 alleles (0.000062%); no homozygotes.

Submissions (2):

Ambry Genetics
Classification: Uncertain significance for Hereditary cancer-predisposing syndrome. Last evaluated: 2026-07-06. Review status: criteria provided, single submitter. Criteria: Ambry Variant Classification Scheme 2023. Collection method: clinical testing. Allele origin: germline.
Comment: The p.E547V variant (also known as c.1640A>T), located in coding exon 11 of the CDH1 gene, results from an A to T substitution at nucleotide position 1640. The glutamic acid at codon 547 is replaced by valine, an amino acid with dissimilar properties. This amino acid position is conserved. In addition, this alteration is predicted to be tolerated by in silico analysis. Based on the available evidence, the clinical significance of this variant remains unclear.

Labcorp Genetics (formerly Invitae), Labcorp
Classification: Uncertain significance for Hereditary diffuse gastric adenocarcinoma. Last evaluated: 2024-02-13. Review status: criteria provided, single submitter. Criteria: Invitae Variant Classification Sherloc (09022015). Collection method: clinical testing. Allele origin: germline.
Comment: This sequence change replaces glutamic acid, which is acidic and polar, with valine, which is neutral and non-polar, at codon 547 of the CDH1 protein (p.Glu547Val). This variant is not present in population databases (gnomAD no frequency). This variant has not been reported in the literature in individuals affected with CDH1-related conditions. An algorithm developed to predict the effect of missense changes on protein structure and function (PolyPhen-2) suggests that this variant is likely to be tolerated. In summary, the available evidence is currently insufficient to determine the role of this variant in disease. Therefore, it has been classified as a Variant of Uncertain Significance.